The following is an entry in ClinVar:

NM_000390.4(CHM):c.1586T>C (p.Val529Ala)

Gene: CHM (CHM Rab escort protein; minus strand). Cytogenetic location: Xq21.2.
Variant type: single nucleotide variant.
Coding change: c.1586T>C on transcript NM_000390.4 (MANE Select); coding-DNA position 1586, T replaced by C.
Protein change: p.Val529Ala; replaces valine 529 with alanine.
Molecular consequence: missense variant.
Genome position (GRCh38, 1-based): chrX:85,878,988, A>G on the plus strand (T>C on the coding strand, the complement: CHM is on the minus strand). VCF-style: chrX-85878988-A-G. GRCh37 (hg19) VCF-style: chrX-85133993-A-G.
Other names: c.1142T>C, p.Val381Ala (NM_001320959.1, NM_001362517.1, NM_001362518.2 and 1 more transcripts); short protein forms V381A, V529A.
Identifiers: ClinVar variation 4064668 (VCV004064668.2).

ClinVar aggregate classification (germline): Uncertain significance. Review status: criteria provided, single submitter (1 of 4 stars). 2 submissions from 2 submitters: Uncertain significance (1). 1 of the submissions does not count toward it. Last evaluated 2026-01-11.

Conditions:
Choroideremia. Also called: Chorioretinal scalloped atrophy. Identifiers: Orphanet 180, MedGen C0008525, MONDO:0010557, OMIM 303100, HP:0001139.

gnomAD v4.1: 1 of 1,198,408 alleles (0.000083%); highest among the groups gnomAD compares: South Asian, 0.0018%; no homozygotes.

Submissions (2):

Labcorp Genetics (formerly Invitae), Labcorp
Classification: Uncertain significance. Last evaluated: 2026-01-11. Review status: criteria provided, single submitter. Criteria: Invitae Variant Classification Sherloc (09022015). Collection method: clinical testing. Allele origin: germline.
Comment: This sequence change replaces valine, which is neutral and non-polar, with alanine, which is neutral and non-polar, at codon 529 of the CHM protein (p.Val529Ala). The frequency data for this variant in the population databases is considered unreliable, as metrics indicate poor data quality at this position in the gnomAD database. This variant has not been reported in the literature in individuals affected with CHM-related conditions. ClinVar contains an entry for this variant (Variation ID: 4064668). Invitae Evidence Modeling of protein sequence and biophysical properties (such as structural, functional, and spatial information, amino acid conservation, physicochemical variation, residue mobility, and thermodynamic stability) indicates that this missense variant is not expected to disrupt CHM protein function with a negative predictive value of 80%. In summary, the available evidence is currently insufficient to determine the role of this variant in disease. Therefore, it has been classified as a Variant of Uncertain Significance.

Natera, Inc.
Classification: Uncertain significance for Choroideremia. Last evaluated: 2025-05-29. Review status: no assertion criteria provided. Collection method: clinical testing. Allele origin: germline. Not counted in ClinVar's aggregate classification.